The following is an entry in ClinVar:

ClinVar aggregate classification (germline): Uncertain significance (1 of 4 stars; one submission).

Submission:

Women's Health and Genetics/Laboratory Corporation of America, LabCorp
Classification: Uncertain significance. Last evaluated: 2025-01-29. Review status: criteria provided, single submitter. Criteria: LabCorp Variant Classification Summary - May 2015. Collection method: clinical testing. Allele origin: germline.
Comment: Variant summary: TNXB c.1432A>G (p.Ser478Gly) results in a non-conservative amino acid change located in the EGF-like repeat domain (IPR000742) of the encoded protein sequence. Three of four in-silico tools predict a benign effect of the variant on protein function. The variant allele was found at a frequency of 2.8e-05 in 1,556,898 control chromosomes in the gnomAD database (v4.1 dataset). This frequency is not higher than the maximum estimated for a pathogenic variant in TNXB causing Ehlers-Danlos syndrome due to tenascin-X deficiency (0.0011), allowing no conclusion about variant significance. To our knowledge, no occurrence of c.1432A>G in individuals affected with Ehlers-Danlos syndrome due to tenascin-X deficiency and no experimental evidence demonstrating its impact on protein function have been reported. No submitters have cited clinical-significance assessments for this variant to ClinVar. Based on the evidence outlined above, the variant was classified as uncertain significance.

NM_001365276.2(TNXB):c.1432A>G (p.Ser478Gly)

Gene: TNXB (tenascin XB; minus strand). Cytogenetic location: 6p21.33.
Variant type: single nucleotide variant.
Coding change: c.1432A>G on transcript NM_001365276.2 (MANE Select); coding-DNA position 1432, A replaced by G.
Protein change: p.Ser478Gly; replaces serine 478 with glycine.
Molecular consequence: missense variant.
Genome position (GRCh38, 1-based): chr6:32,096,421, T>C on the plus strand (A>G on the coding strand, the complement: TNXB is on the minus strand). VCF-style: chr6-32096421-T-C. GRCh37 (hg19) VCF-style: chr6-32064198-T-C.
Other names: c.1432A>G, p.Ser478Gly (NM_001428335.1, NM_019105.8); short protein forms S478G.
Identifiers: ClinVar variation 3769292 (VCV003769292.2).